The following is an entry in ClinVar:

ClinVar aggregate classification (germline): Benign. Review status: criteria provided, multiple submitters, no conflicts (2 of 4 stars). 5 submissions from 5 submitters: Benign (4). 1 of the submissions does not count toward it. Last evaluated 2026-01-22.

Conditions:
ACE-related disorder. Also called: ACE-related condition; ACE-related disorders.
Renal tubular dysgenesis. Also called: Renotubular dysgenesis. Identifiers: Orphanet 3033, MedGen C0266313, MONDO:0017609, HP:0008660.

Allele frequency attached by ClinVar (database versions not stated): ExAC 0.00239; ESP Exome Variant Server 0.00976; TOPMed 0.00819; gnomAD exomes 0.00080 and 0.00208; 1000 Genomes Project 0.00839; gnomAD 0.00793 and 0.00838; 1000 Genomes Project 30x 0.00843.
gnomAD v4.1: 2,392 of 1,614,114 alleles (0.15%); highest among the groups gnomAD compares: African/African-American, 2.9%; 34 homozygotes.

Submissions (5):

Labcorp Genetics (formerly Invitae), Labcorp
Classification: Benign. Last evaluated: 2026-01-22. Review status: criteria provided, single submitter. Criteria: Invitae Variant Classification Sherloc (09022015). Collection method: clinical testing. Allele origin: germline.

Mayo Clinic Laboratories, Mayo Clinic
Classification: Benign. Last evaluated: 2023-06-12. Review status: criteria provided, single submitter. Criteria: ACMG Guidelines, 2015. Collection method: clinical testing. Allele origin: germline. Observed: 2 variant alleles.
Comment: BS1, BS2, BP4, BP7

Illumina Laboratory Services, Illumina
Classification: Benign for Renal tubular dysgenesis of genetic origin. Last evaluated: 2018-01-13. Review status: criteria provided, single submitter. Criteria: ICSL Variant Classification Criteria 13 December 2019. Collection method: clinical testing. Allele origin: germline.
Comment: This variant was observed in the ICSL laboratory as part of a predisposition screen in an ostensibly healthy population. It had not been previously curated by ICSL or reported in the Human Gene Mutation Database (HGMD: prior to June 1st, 2018), and was therefore a candidate for classification through an automated scoring system. Utilizing variant allele frequency, disease prevalence and penetrance estimates, and inheritance mode, an automated score was calculated to assess if this variant is too frequent to cause the disease. Based on the score and internal cut-off values, a variant classified as benign is not then subjected to further curation. The score for this variant resulted in a classification of benign for this disease.

Breakthrough Genomics
Classification: Benign. Review status: criteria provided, single submitter. Criteria: ACMG Guidelines, 2015. Collection method: not provided. Allele origin: germline. Inheritance: Autosomal recessive inheritance. Affected: yes.

PreventionGenetics, part of Exact Sciences
Classification: Benign for ACE-related condition. Last evaluated: 2019-07-24. Review status: no assertion criteria provided. Collection method: clinical testing. Allele origin: germline. Not counted in ClinVar's aggregate classification.
Comment: This variant is classified as benign based on ACMG/AMP sequence variant interpretation guidelines (Richards et al. 2015 PMID: 25741868, with internal and published modifications).

NM_000789.4(ACE):c.780C>T (p.Arg260=)

Gene: ACE (angiotensin I converting enzyme; plus strand). Cytogenetic location: 17q23.3.
Variant type: single nucleotide variant.
Coding change: c.780C>T on transcript NM_000789.4 (MANE Select); coding-DNA position 780, C replaced by T.
Protein change: p.Arg260=; no amino-acid change (arginine 260 retained).
Molecular consequence: synonymous variant.
Genome position (GRCh38, 1-based): chr17:63,480,461, C>T. VCF-style: chr17-63480461-C-T. GRCh37 (hg19) VCF-style: chr17-61557822-C-T.
Other names: p.Arg260=.
Identifiers: ClinVar variation 890454 (VCV000890454.16), dbSNP rs4302, ClinGen allele CA8699238.